The following is an entry in ClinVar:

NM_001170629.2(CHD8):c.4840G>A (p.Val1614Ile)

Gene: CHD8 (chromodomain helicase DNA binding protein 8; minus strand). Cytogenetic location: 14q11.2.
Variant type: single nucleotide variant.
Coding change: c.4840G>A on transcript NM_001170629.2 (MANE Select); coding-DNA position 4840, G replaced by A.
Protein change: p.Val1614Ile; replaces valine 1614 with isoleucine.
Molecular consequence: missense variant.
Genome position (GRCh38, 1-based): chr14:21,399,683, C>T on the plus strand (G>A on the coding strand, the complement: CHD8 is on the minus strand). VCF-style: chr14-21399683-C-T. GRCh37 (hg19) VCF-style: chr14-21867842-C-T.
Other names: c.4003G>A, p.Val1335Ile (NM_020920.4); short protein forms V1335I, V1614I.
Identifiers: ClinVar variation 1743506 (VCV001743506.2), dbSNP rs1219259781, ClinGen allele CA388889253.
Genomic context (GRCh38, chr14:21,399,683, plus strand): 5'-GCAGCGACTTGTCAGCCTCACTGTCCCACCAAGTTGTTGGAACCTCCAGTTGATCCACTA[C>T]TGGGAACCATATGTCAATCTCACTAAAGGTATAAGAGGGCAGAGTCAGCACAGAAATGCA-3'
Protein context (NP_001164100.1, residues 1604-1624): IASEIDIWFP[Val1614Ile]VDQLEVPTTW

ClinVar aggregate classification (germline): Uncertain significance (1 of 4 stars; one submission).

Conditions:
Inborn genetic diseases. Identifiers: MedGen C0950123, MeSH D030342.

Submission:

Ambry Genetics
Classification: Uncertain significance for Inborn genetic diseases. Last evaluated: 2018-06-12. Review status: criteria provided, single submitter. Criteria: Ambry Variant Classification Scheme 2023. Collection method: clinical testing. Allele origin: germline.
Comment: The p.V1614I variant (also known as c.4840G>A), located in coding exon 25 of the CHD8 gene, results from a G to A substitution at nucleotide position 4840. The valine at codon 1614 is replaced by isoleucine, an amino acid with highly similar properties. This amino acid position is not well conserved in available vertebrate species. In addition, this alteration is predicted to be tolerated by in silico analysis. Since supporting evidence is limited at this time, the clinical significance of this alteration remains unclear.